The following is an entry in ClinVar:

NM_002439.5(MSH3):c.3064_3067del (p.Ser1022fs)

Gene: MSH3 (mutS homolog 3; plus strand). Cytogenetic location: 5q14.1.
Variant type: Deletion.
Coding change: c.3064_3067del on transcript NM_002439.5 (MANE Select); coding-DNA positions 3064 to 3067, 4 bases deleted (TCAC; older notation c.3064_3067delTCAC).
Protein change: p.Ser1022fs; shifts the reading frame from serine 1022.
Molecular consequence: frameshift variant.
Genome position (GRCh38, 1-based): chr5:80,864,876-80,864,879, TCAC deleted; deleting any 4 consecutive bases within chr5:80,864,874-80,864,879 gives the same sequence; the c. name uses the placement nearest the transcript's 3' end. VCF-style (leftmost placement, unchanged base first): chr5-80864873-TACTC-T. GRCh37 (hg19) VCF-style: chr5-80160692-TACTC-T.
Other names: short protein forms S1022fs.
Identifiers: ClinVar variation 1799405 (VCV001799405.9), dbSNP rs2478789202, ClinGen allele CA2580073576.

ClinVar aggregate classification (germline): Pathogenic. Review status: criteria provided, multiple submitters, no conflicts (2 of 4 stars). 3 submissions from 3 submitters: Pathogenic (3). Last evaluated 2026-01-18.

Conditions:
Hereditary cancer-predisposing syndrome. Also called: Neoplastic Syndromes, Hereditary; Tumor predisposition; Hereditary Cancer Syndrome; Hereditary neoplastic syndrome. Identifiers: Orphanet 140162, MedGen C0027672, MeSH D009386, MONDO:0015356.
Familial adenomatous polyposis 4 (FAP4). Also called: MSH3-related attenuated familial adenomatous polyposis. Identifiers: Orphanet 480536, MedGen C4310719, MONDO:0044300, OMIM 617100.

Submissions (3):

Labcorp Genetics (formerly Invitae), Labcorp
Classification: Pathogenic. Last evaluated: 2026-01-18. Review status: criteria provided, single submitter. Criteria: Invitae Variant Classification Sherloc (09022015). Collection method: clinical testing. Allele origin: germline.
Comment: This sequence change creates a premature translational stop signal (p.Ser1022Thrfs*37) in the MSH3 gene. It is expected to result in an absent or disrupted protein product. Loss-of-function variants in MSH3 are known to be pathogenic (PMID: 27476653, 37402566). This variant is not present in population databases (gnomAD no frequency). This variant has not been reported in the literature in individuals affected with MSH3-related conditions. ClinVar contains an entry for this variant (Variation ID: 1799405). For these reasons, this variant has been classified as Pathogenic.

Ambry Genetics
Classification: Pathogenic for Hereditary cancer-predisposing syndrome. Last evaluated: 2025-04-21. Review status: criteria provided, single submitter. Criteria: Ambry Variant Classification Scheme 2023. Collection method: clinical testing. Allele origin: germline.
Comment: The c.3064_3067delTCAC pathogenic mutation, located in coding exon 22 of the MSH3 gene, results from a deletion of 4 nucleotides at nucleotide positions 3064 to 3067, causing a translational frameshift with a predicted alternate stop codon (p.S1022Tfs*37). This variant is considered to be rare based on population cohorts in the Genome Aggregation Database (gnomAD). This alteration is expected to result in loss of function by premature protein truncation or nonsense-mediated mRNA decay. As such, this alteration is interpreted as a disease-causing mutation.

Myriad Genetics, Inc.
Classification: Pathogenic for Familial adenomatous polyposis 4. Last evaluated: 2023-04-06. Review status: criteria provided, single submitter. Criteria: Myriad Autosomal Dominant, Autosomal Recessive and X-Linked Classification Criteria (2023). Collection method: clinical testing. Allele origin: unknown.
Comment: This variant is considered pathogenic. This variant creates a frameshift predicted to result in premature protein truncation.

Literature cited by the submitters: PubMed 27476653 (cited by Labcorp Genetics (formerly Invitae), Labcorp); PubMed 37402566 (cited by Labcorp Genetics (formerly Invitae), Labcorp).